The following is an entry in ClinVar:

ClinVar aggregate classification (germline): Uncertain significance. Review status: criteria provided, single submitter (1 of 4 stars). 2 submissions from 2 submitters: Uncertain significance (1). 1 of the submissions does not count toward it. Last evaluated 2025-09-11.

Conditions:
Inborn genetic diseases. Identifiers: MedGen C0950123, MeSH D030342.
ASXL2-related disorder. Also called: ASXL2-related condition.

Submissions (2):

Ambry Genetics
Classification: Uncertain significance for Inborn genetic diseases. Last evaluated: 2025-09-11. Review status: criteria provided, single submitter. Criteria: Ambry Variant Classification Scheme 2023. Collection method: clinical testing. Allele origin: germline.

PreventionGenetics, part of Exact Sciences
Classification: Uncertain significance for ASXL2-related condition. Last evaluated: 2024-09-18. Review status: no assertion criteria provided. Collection method: clinical testing. Allele origin: germline. Not counted in ClinVar's aggregate classification.
Comment: The ASXL2 c.1582C>A variant is predicted to result in the amino acid substitution p.Pro528Thr. To our knowledge, this variant has not been reported in the literature or in a large population database, indicating this variant is rare. At this time, the clinical significance of this variant is uncertain due to the absence of conclusive functional and genetic evidence.

NM_018263.6(ASXL2):c.1582C>A (p.Pro528Thr)

Gene: ASXL2 (ASXL transcriptional regulator 2; minus strand). Cytogenetic location: 2p23.3.
Variant type: single nucleotide variant.
Coding change: c.1582C>A on transcript NM_018263.6 (MANE Select); coding-DNA position 1582, C replaced by A.
Protein change: p.Pro528Thr; replaces proline 528 with threonine.
Molecular consequence: missense variant.
Genome position (GRCh38, 1-based): chr2:25,749,974, G>T on the plus strand (C>A on the coding strand, the complement: ASXL2 is on the minus strand). VCF-style: chr2-25749974-G-T. GRCh37 (hg19) VCF-style: chr2-25972843-G-T.
Other names: c.1408C>A, p.Pro470Thr (NM_001369346.1); c.802C>A, p.Pro268Thr (NM_001369347.1); short protein forms P268T, P470T, P528T.
Identifiers: ClinVar variation 3344541 (VCV003344541.2).